The following is an entry in ClinVar:

ClinVar aggregate classification (germline): Uncertain significance (1 of 4 stars; one submission).

Submission:

GeneDx
Classification: Uncertain significance. Last evaluated: 2024-03-15. Review status: criteria provided, single submitter. Criteria: GeneDx Variant Classification Process June 2021. Collection method: clinical testing. Allele origin: germline. Affected: yes.
Comment: Not observed at significant frequency in large population cohorts (gnomAD); In silico analysis supports that this missense variant has a deleterious effect on protein structure/function; Has not been previously published as pathogenic or benign to our knowledge

NM_001330288.2(SMARCC2):c.1016T>C (p.Leu339Pro)

Gene: SMARCC2 (SWI/SNF related BAF chromatin remodeling complex subunit C2; minus strand). Cytogenetic location: 12q13.2.
Variant type: single nucleotide variant.
Coding change: c.1016T>C on transcript NM_001330288.2 (MANE Select); coding-DNA position 1016, T replaced by C.
Protein change: p.Leu339Pro; replaces leucine 339 with proline.
Molecular consequence: missense variant.
Genome position (GRCh38, 1-based): chr12:56,181,042, A>G on the plus strand (T>C on the coding strand, the complement: SMARCC2 is on the minus strand). VCF-style: chr12-56181042-A-G. GRCh37 (hg19) VCF-style: chr12-56574826-A-G.
Other names: c.1016T>C, p.Leu339Pro (NM_001130420.3, NM_003075.5, NM_139067.4); short protein forms L339P.
Identifiers: ClinVar variation 3370649 (VCV003370649.1).